The following is an entry in ClinVar:

ClinVar aggregate classification (germline): Uncertain significance (1 of 4 stars; one submission).

Submission:

GeneDx
Classification: Uncertain significance. Last evaluated: 2024-07-25. Review status: criteria provided, single submitter. Criteria: GeneDx Variant Classification Process June 2021. Collection method: clinical testing. Allele origin: germline. Affected: yes.
Comment: Not observed at significant frequency in large population cohorts (gnomAD); In silico analysis indicates that this missense variant does not alter protein structure/function; Has not been previously published as pathogenic or benign to our knowledge; This variant is associated with the following publications: (PMID: 22982744)

NM_001365902.3(NFIX):c.806C>G (p.Pro269Arg)

Gene: NFIX (nuclear factor I X; plus strand). Cytogenetic location: 19p13.13.
Variant type: single nucleotide variant.
Coding change: c.806C>G on transcript NM_001365902.3 (MANE Select); coding-DNA position 806, C replaced by G.
Protein change: p.Pro269Arg; replaces proline 269 with arginine.
Molecular consequence: missense variant.
Genome position (GRCh38, 1-based): chr19:13,074,014, C>G. VCF-style: chr19-13074014-C-G. GRCh37 (hg19) VCF-style: chr19-13184828-C-G.
Other names: c.830C>G, p.Pro277Arg (NM_001271043.2); c.782C>G, p.Pro261Arg (NM_001271044.3, NM_001378404.1); c.806C>G, p.Pro269Arg (NM_001365982.2, NM_002501.4); c.665C>G, p.Pro222Arg (NM_001365983.2); c.803C>G, p.Pro268Arg (NM_001365984.2, NM_001365985.2); c.854C>G, p.Pro285Arg (NM_001378405.1); short protein forms P222R, P261R, P268R, P269R, P277R, P285R.
Identifiers: ClinVar variation 3600551 (VCV003600551.1).